The following is an entry in ClinVar:

NM_001323329.2(MAPK8):c.510C>T (p.Phe170=)

Gene: MAPK8 (mitogen-activated protein kinase 8; plus strand). Cytogenetic location: 10q11.22.
Variant type: single nucleotide variant.
Coding change: c.510C>T on transcript NM_001323329.2 (MANE Select); coding-DNA position 510, C replaced by T.
Protein change: p.Phe170=; no amino-acid change (phenylalanine 170 retained).
Molecular consequence: synonymous variant. On other transcripts: non-coding transcript variant (3).
Genome position (GRCh38, 1-based): chr10:48,420,214, C>T. VCF-style: chr10-48420214-C-T. GRCh37 (hg19) VCF-style: chr10-49628257-C-T.
Other names: c.510C>T, p.Phe170= (NM_001278547.2, NM_001278548.2, NM_001323302.2 and 14 more transcripts).
Identifiers: ClinVar variation 3054629 (VCV003054629.2), dbSNP rs199940599, ClinGen allele CA5490770.
Genomic context (GRCh38, chr10:48,420,214, plus strand): 5'-GGACTTAAAGCCCAGTAATATAGTAGTAAAATCTGATTGCACTTTGAAGATTCTTGACTT[C>T]GGTCTGGCCAGGACTGCAGGAACGAGTTTTATGATGACGCCTTATGTAGTGACTCGCTAC-3'
Protein context (NP_001310258.1, residues 160-180): KSDCTLKILD[Phe170=]GLARTAGTSF

ClinVar aggregate classification (germline): Likely benign (0 of 4 stars; one submission).

Conditions:
MAPK8-related disorder. Also called: MAPK8-related condition.

Allele frequency attached by ClinVar (database versions not stated): TOPMed 0.00012; gnomAD 0.00016; ExAC 0.00027; gnomAD exomes 0.00038.
gnomAD v4.1: 563 of 1,613,610 alleles (0.035%); highest among the groups gnomAD compares: South Asian, 0.057%; 1 homozygote.

Submission:

PreventionGenetics, part of Exact Sciences
Classification: Likely benign for MAPK8-related condition. Last evaluated: 2020-04-01. Review status: no assertion criteria provided. Collection method: clinical testing. Allele origin: germline.
Comment: This variant is classified as likely benign based on ACMG/AMP sequence variant interpretation guidelines (Richards et al. 2015 PMID: 25741868, with internal and published modifications).